The following is an entry in ClinVar:

NM_000075.4(CDK4):c.856G>A (p.Ala286Thr)

Genes: TSPAN31 (tetraspanin 31; plus strand), CDK4 (cyclin dependent kinase 4; minus strand). Cytogenetic location: 12q14.1.
Variant type: single nucleotide variant.
Coding change: c.856G>A on transcript NM_000075.4 (MANE Select); coding-DNA position 856, G replaced by A.
Protein change: p.Ala286Thr; replaces alanine 286 with threonine.
Molecular consequence: missense variant. On other transcripts: 3 prime UTR variant (3).
Genome position (GRCh38, 1-based): chr12:57,748,581, C>T on the plus strand (G>A on the coding strand, the complement: CDK4 is on the minus strand). VCF-style: chr12-57748581-C-T. GRCh37 (hg19) VCF-style: chr12-58142364-C-T.
Other names: c.*1291C>T (NM_001330168.2, NM_001330169.2, NM_005981.5); short protein forms A286T.
Identifiers: ClinVar variation 1763888 (VCV001763888.2), dbSNP rs1595107784, ClinGen allele CA385542452.

ClinVar aggregate classification (germline): Uncertain significance (1 of 4 stars; one submission).

Conditions:
Hereditary cancer-predisposing syndrome. Also called: Neoplastic Syndromes, Hereditary; Tumor predisposition; Hereditary Cancer Syndrome; Hereditary neoplastic syndrome. Identifiers: Orphanet 140162, MedGen C0027672, MeSH D009386, MONDO:0015356.

Submission:

Ambry Genetics
Classification: Uncertain significance for Hereditary cancer-predisposing syndrome. Last evaluated: 2022-10-09. Review status: criteria provided, single submitter. Criteria: Ambry Variant Classification Scheme 2023. Collection method: clinical testing. Allele origin: germline.
Comment: The p.A286T variant (also known as c.856G>A), located in coding exon 7 of the CDK4 gene, results from a G to A substitution at nucleotide position 856. The alanine at codon 286 is replaced by threonine, an amino acid with similar properties. This amino acid position is conserved. In addition, the in silico prediction for this alteration is inconclusive. Since supporting evidence is limited at this time, the clinical significance of this alteration remains unclear.